The following is an entry in ClinVar:

NM_003276.2(TMPO):c.-439C>T

Genes: TMPO (thymopoietin; plus strand), TMPO-AS1 (TMPO antisense RNA 1; minus strand). Cytogenetic location: 12q23.1.
Variant type: single nucleotide variant.
Coding change: c.-439C>T on transcript NM_003276.2; 439 bases upstream of the start codon, C replaced by T.
Molecular consequence: non-coding transcript variant (on NR_027157.1).
Genome position (GRCh38, 1-based): chr12:98,515,429, C>T. VCF-style: chr12-98515429-C-T. GRCh37 (hg19) VCF-style: chr12-98909207-C-T.
Identifiers: ClinVar variation 684009 (VCV000684009.4), dbSNP rs117151045, ClinGen allele CA13728455.

ClinVar aggregate classification (germline): Benign. Review status: criteria provided, multiple submitters, no conflicts (2 of 4 stars). 2 submissions from 2 submitters: Benign (2). Last evaluated 2018-06-14.

Allele frequency attached by ClinVar (database versions not stated): 1000 Genomes Project 0.05970; TOPMed 0.06282; gnomAD exomes 0.07217; 1000 Genomes Project 30x 0.05824.

Submissions (2):

GeneDx
Classification: Benign. Last evaluated: 2018-06-14. Review status: criteria provided, single submitter. Criteria: GeneDx Variant Classification (06012015). Collection method: clinical testing. Allele origin: germline. Affected: yes.
Comment: This variant is considered likely benign or benign based on one or more of the following criteria: it is a conservative change, it occurs at a poorly conserved position in the protein, it is predicted to be benign by multiple in silico algorithms, and/or has population frequency not consistent with disease.

Breakthrough Genomics
Classification: Benign. Review status: criteria provided, single submitter. Criteria: ACMG Guidelines, 2015. Collection method: not provided. Allele origin: germline. Inheritance: Unknown mechanism. Affected: yes.